The following is an entry in ClinVar:

NM_001199198.3(TBC1D23):c.1342G>A (p.Gly448Arg)

Gene: TBC1D23 (TBC1 domain family member 23; plus strand). Cytogenetic location: 3q12.2.
Variant type: single nucleotide variant.
Coding change: c.1342G>A on transcript NM_001199198.3 (MANE Select); coding-DNA position 1342, G replaced by A.
Protein change: p.Gly448Arg; replaces glycine 448 with arginine.
Molecular consequence: missense variant.
Genome position (GRCh38, 1-based): chr3:100,306,472, G>A. VCF-style: chr3-100306472-G-A. GRCh37 (hg19) VCF-style: chr3-100025316-G-A.
Other names: c.1342G>A, p.Gly448Arg (NM_018309.5); short protein forms G448R.
Identifiers: ClinVar variation 3053816 (VCV003053816.2), dbSNP rs768581587, ClinGen allele CA2514737.

ClinVar aggregate classification (germline): Uncertain significance (0 of 4 stars; one submission).

Conditions:
TBC1D23-related disorder. Also called: TBC1D23-related condition.

Allele frequency attached by ClinVar (database versions not stated): gnomAD exomes below 0.00001; TOPMed below 0.00001; gnomAD 0.00001; ExAC 0.00003.
gnomAD v4.1: 6 of 1,612,046 alleles (0.00037%); highest among the groups gnomAD compares: Admixed American, 0.0067%; 1 homozygote.

Submission:

PreventionGenetics, part of Exact Sciences
Classification: Uncertain significance for TBC1D23-related condition. Last evaluated: 2023-11-27. Review status: no assertion criteria provided. Collection method: clinical testing. Allele origin: germline.
Comment: The TBC1D23 c.1342G>A variant is predicted to result in the amino acid substitution p.Gly448Arg. To our knowledge, this variant has not been reported in the literature. This variant is reported in 0.014% of alleles in individuals of Latino descent in gnomAD. At this time, the clinical significance of this variant is uncertain due to the absence of conclusive functional and genetic evidence.